The following is an entry in ClinVar:

ClinVar aggregate classification (germline): Uncertain significance (1 of 4 stars; one submission).

Submission:

Labcorp Genetics (formerly Invitae), Labcorp
Classification: Uncertain significance. Last evaluated: 2023-10-15. Review status: criteria provided, single submitter. Criteria: Invitae Variant Classification Sherloc (09022015). Collection method: clinical testing. Allele origin: germline.
Comment: This sequence change replaces serine, which is neutral and polar, with threonine, which is neutral and polar, at codon 314 of the CDSN protein (p.Ser314Thr). This variant is not present in population databases (gnomAD no frequency). This variant has not been reported in the literature in individuals affected with CDSN-related conditions. Advanced modeling of protein sequence and biophysical properties (such as structural, functional, and spatial information, amino acid conservation, physicochemical variation, residue mobility, and thermodynamic stability) has been performed at Invitae for this missense variant, however the output from this modeling did not meet the statistical confidence thresholds required to predict the impact of this variant on CDSN protein function. In summary, the available evidence is currently insufficient to determine the role of this variant in disease. Therefore, it has been classified as a Variant of Uncertain Significance.

NM_001264.5(CDSN):c.941G>C (p.Ser314Thr)

Genes: CDSN (corneodesmosin; minus strand), PSORS1C1 (psoriasis susceptibility 1 candidate 1; plus strand). Cytogenetic location: 6p21.33.
Variant type: single nucleotide variant.
Coding change: c.941G>C on transcript NM_001264.5 (MANE Select); coding-DNA position 941, G replaced by C.
Protein change: p.Ser314Thr; replaces serine 314 with threonine.
Molecular consequence: missense variant. On other transcripts: intron variant (1).
Genome position (GRCh38, 1-based): chr6:31,116,674, C>G on the plus strand (G>C on the coding strand, the complement: CDSN is on the minus strand). VCF-style: chr6-31116674-C-G. GRCh37 (hg19) VCF-style: chr6-31084451-C-G.
Other names: c.-229+1783C>G (NM_014068.3); short protein forms S314T.
Identifiers: ClinVar variation 2768794 (VCV002768794.3), dbSNP rs2481086021, ClinGen allele CA363314643.
Genomic context (GRCh38, chr6:31,116,674, plus strand): 5'-GGAGAGCCTTTCACAGGGTTCTCTTTGGTGAAGTAGCCCACAGGGTAGATTTTACCCTTA[C>G]TGTAGGTCATGCCTGGAACCAGATAACTGTCAGAGGAGCCACCCACCACCTCGTAGCCAC-3'
Protein context (NP_001255.4, residues 304-324): DSYLVPGMTY[Ser314Thr]KGKIYPVGYF